The following is an entry in ClinVar:

NM_030777.4(SLC2A10):c.974C>T (p.Ser325Leu)

Gene: SLC2A10 (solute carrier family 2 member 10; plus strand). Cytogenetic location: 20q13.12.
Variant type: single nucleotide variant.
Coding change: c.974C>T on transcript NM_030777.4 (MANE Select); coding-DNA position 974, C replaced by T.
Protein change: p.Ser325Leu; replaces serine 325 with leucine.
Molecular consequence: missense variant.
Genome position (GRCh38, 1-based): chr20:46,726,010, C>T. VCF-style: chr20-46726010-C-T. GRCh37 (hg19) VCF-style: chr20-45354649-C-T.
Other names: short protein forms S325L.
Identifiers: ClinVar variation 3228075 (VCV003228075.1), dbSNP rs984687830, ClinGen allele CA315756336.

ClinVar aggregate classification (germline): Uncertain significance (1 of 4 stars; one submission).

Conditions:
Familial thoracic aortic aneurysm and aortic dissection (TAAD). Also called: Thoracic aortic aneurysms and dissections. Identifiers: Orphanet 91387, MedGen C4707243, MONDO:0019625.

Allele frequency attached by ClinVar (database versions not stated): TOPMed below 0.00001; gnomAD exomes 0.00001.
gnomAD v4.1: 11 of 1,614,064 alleles (0.00068%); highest among the groups gnomAD compares: Non-Finnish European, 0.00093%; no homozygotes.

Submission:

Ambry Genetics
Classification: Uncertain significance for Familial thoracic aortic aneurysm and aortic dissection. Last evaluated: 2023-09-26. Review status: criteria provided, single submitter. Criteria: Ambry Variant Classification Scheme 2023. Collection method: clinical testing. Allele origin: germline.
Comment: The p.S325L variant (also known as c.974C>T), located in coding exon 2 of the SLC2A10 gene, results from a C to T substitution at nucleotide position 974. The serine at codon 325 is replaced by leucine, an amino acid with dissimilar properties. This amino acid position is not well conserved in available vertebrate species. In addition, this alteration is predicted to be tolerated by in silico analysis. Since supporting evidence is limited at this time, the clinical significance of this alteration remains unclear.